The following is an entry in ClinVar:

NM_007103.4(NDUFV1):c.1188G>A (p.Met396Ile)

Genes: NDUFV1 (NADH:ubiquinone oxidoreductase core subunit V1; plus strand), LOC126861242 (CDK7 strongly-dependent group 2 enhancer GRCh37_chr11:67379204-67380403; plus strand). Cytogenetic location: 11q13.2.
Variant type: single nucleotide variant.
Coding change: c.1188G>A on transcript NM_007103.4 (MANE Select); coding-DNA position 1188, G replaced by A.
Protein change: p.Met396Ile; replaces methionine 396 with isoleucine.
Molecular consequence: missense variant.
Genome position (GRCh38, 1-based): chr11:67,612,145, G>A. VCF-style: chr11-67612145-G-A. GRCh37 (hg19) VCF-style: chr11-67379616-G-A.
Other names: c.1161G>A, p.Met387Ile (NM_001166102.2); short protein forms M396I, M387I.
Identifiers: ClinVar variation 305755 (VCV000305755.56), dbSNP rs142050639, ClinGen allele CA6143440.

ClinVar aggregate classification (germline): Uncertain significance. Review status: criteria provided, multiple submitters, no conflicts (2 of 4 stars). 5 submissions from 5 submitters: Uncertain significance (4). 1 of the submissions does not count toward it. Last evaluated 2024-11-24.

Conditions:
Inborn genetic diseases. Identifiers: MedGen C0950123, MeSH D030342.

Allele frequency attached by ClinVar (database versions not stated): ExAC 0.00006; ESP Exome Variant Server 0.00008; gnomAD exomes 0.00008 and 0.00017; gnomAD 0.00013 and 0.00014; TOPMed 0.00015.
gnomAD v4.1: 263 of 1,613,680 alleles (0.016%); highest among the groups gnomAD compares: Non-Finnish European, 0.022%; no homozygotes.

Submissions (5):

Ambry Genetics
Classification: Uncertain significance for Inborn genetic diseases. Last evaluated: 2024-11-24. Review status: criteria provided, single submitter. Criteria: Ambry Variant Classification Scheme 2023. Collection method: clinical testing. Allele origin: germline.

Blueprint Genetics
Classification: Uncertain significance. Last evaluated: 2024-10-24. Review status: criteria provided, single submitter. Criteria: ACMG Guidelines, 2015. Collection method: clinical testing. Allele origin: germline.

Greenwood Genetic Center Diagnostic Laboratories, Greenwood Genetic Center
Classification: Uncertain significance. Last evaluated: 2023-02-02. Review status: criteria provided, single submitter. Criteria: ACMG Guidelines, 2015. Collection method: clinical testing. Allele origin: germline. Affected: yes.
Comment: PM2

CeGaT Center for Human Genetics Tuebingen
Classification: Uncertain significance. Last evaluated: 2016-06-01. Review status: criteria provided, single submitter. Criteria: CeGaT Center For Human Genetics Tuebingen Variant Classification Criteria Version 2. Collection method: clinical testing. Allele origin: germline. Affected: yes. Observed: 1 variant allele.

Mayo Clinic Laboratories, Mayo Clinic
Classification: Uncertain significance. Last evaluated: 2016-02-26. Review status: no assertion criteria provided. Collection method: clinical testing. Allele origin: unknown. Not counted in ClinVar's aggregate classification.